The following is an entry in ClinVar:

NM_001134407.3(GRIN2A):c.611T>A (p.Ile204Asn)

Gene: GRIN2A (glutamate ionotropic receptor NMDA type subunit 2A; minus strand). Cytogenetic location: 16p13.2.
Variant type: single nucleotide variant.
Coding change: c.611T>A on transcript NM_001134407.3 (MANE Select); coding-DNA position 611, T replaced by A.
Protein change: p.Ile204Asn; replaces isoleucine 204 with asparagine.
Molecular consequence: missense variant.
Genome position (GRCh38, 1-based): chr16:9,938,355, A>T on the plus strand (T>A on the coding strand, the complement: GRIN2A is on the minus strand). VCF-style: chr16-9938355-A-T. GRCh37 (hg19) VCF-style: chr16-10032212-A-T.
Other names: c.611T>A, p.Ile204Asn (NM_000833.5, NM_001134408.2); short protein forms I204N.
Identifiers: ClinVar variation 2574336 (VCV002574336.4), dbSNP rs2543142419, ClinGen allele CA394798887.

ClinVar aggregate classification (germline): Uncertain significance. Review status: criteria provided, multiple submitters, no conflicts (2 of 4 stars). 2 submissions from 2 submitters: Uncertain significance (2). Last evaluated 2023-08-18.

Conditions:
Landau-Kleffner syndrome (FESD). Also called: APHASIA, ACQUIRED, WITH EPILEPSY; EPILEPSY, FOCAL, WITH SPEECH DISORDER AND WITH OR WITHOUT MENTAL RETARDATION. Identifiers: Orphanet 1945, Orphanet 725, Orphanet 98818, MedGen C0282512, MONDO:0009509, OMIM 245570.

Submissions (2):

Labcorp Genetics (formerly Invitae), Labcorp
Classification: Uncertain significance for Landau-Kleffner syndrome. Last evaluated: 2023-08-18. Review status: criteria provided, single submitter. Criteria: Invitae Variant Classification Sherloc (09022015). Collection method: clinical testing. Allele origin: germline.
Comment: ClinVar contains an entry for this variant (Variation ID: 2574336). This variant has not been reported in the literature in individuals affected with GRIN2A-related conditions. This variant is not present in population databases (gnomAD no frequency). This sequence change replaces isoleucine, which is neutral and non-polar, with asparagine, which is neutral and polar, at codon 204 of the GRIN2A protein (p.Ile204Asn). Advanced modeling of protein sequence and biophysical properties (such as structural, functional, and spatial information, amino acid conservation, physicochemical variation, residue mobility, and thermodynamic stability) has been performed at Invitae for this missense variant, however the output from this modeling did not meet the statistical confidence thresholds required to predict the impact of this variant on GRIN2A protein function. In summary, the available evidence is currently insufficient to determine the role of this variant in disease. Therefore, it has been classified as a Variant of Uncertain Significance.

GeneDx
Classification: Uncertain significance. Last evaluated: 2023-03-31. Review status: criteria provided, single submitter. Criteria: GeneDx Variant Classification Process June 2021. Collection method: clinical testing. Allele origin: germline. Affected: yes.
Comment: Not observed at significant frequency in large population cohorts (gnomAD); In silico analysis supports that this missense variant has a deleterious effect on protein structure/function; Has not been previously published as pathogenic or benign to our knowledge